The following is an entry in ClinVar:

ClinVar aggregate classification (germline): Uncertain significance (1 of 4 stars; one submission).

Conditions:
Pulmonary hypertension, primary, 2. Identifiers: Orphanet 422, MedGen C3888002, MONDO:0014134, OMIM 615342.

gnomAD v4.1: 10 of 1,614,154 alleles (0.00062%); highest among the groups gnomAD compares: Non-Finnish European, 0.00076%; no homozygotes.

Submission:

Labcorp Genetics (formerly Invitae), Labcorp
Classification: Uncertain significance for Pulmonary hypertension, primary, 2. Last evaluated: 2026-01-27. Review status: criteria provided, single submitter. Criteria: Invitae Variant Classification Sherloc (09022015). Collection method: clinical testing. Allele origin: germline.
Comment: This sequence change replaces leucine, which is neutral and non-polar, with arginine, which is basic and polar, at codon 156 of the SMAD9 protein (p.Leu156Arg). This variant is not present in population databases (gnomAD no frequency). This variant has not been reported in the literature in individuals affected with SMAD9-related conditions. Invitae Evidence Modeling of protein sequence and biophysical properties (such as structural, functional, and spatial information, amino acid conservation, physicochemical variation, residue mobility, and thermodynamic stability) indicates that this missense variant is not expected to disrupt SMAD9 protein function with a negative predictive value of 80%. In summary, the available evidence is currently insufficient to determine the role of this variant in disease. Therefore, it has been classified as a Variant of Uncertain Significance.

NM_001127217.3(SMAD9):c.467T>G (p.Leu156Arg)

Gene: SMAD9 (SMAD family member 9; minus strand). Cytogenetic location: 13q13.3.
Variant type: single nucleotide variant.
Coding change: c.467T>G on transcript NM_001127217.3 (MANE Select); coding-DNA position 467, T replaced by G.
Protein change: p.Leu156Arg; replaces leucine 156 with arginine.
Molecular consequence: missense variant.
Genome position (GRCh38, 1-based): chr13:36,872,861, A>C on the plus strand (T>G on the coding strand, the complement: SMAD9 is on the minus strand). VCF-style: chr13-36872861-A-C. GRCh37 (hg19) VCF-style: chr13-37446998-A-C.
Other names: c.467T>G, p.Leu156Arg (NM_001378621.1, NM_005905.6); short protein forms L156R.
Identifiers: ClinVar variation 4705842 (VCV004705842.1).
Genomic context (GRCh38, chr13:36,872,861, plus strand): 5'-GTGGCGTTGTGTGGCATGAGTGGCTCACTGTGCAGGGAGGCGCTGCGGAACTTGGCCAGG[A>C]GGCTGAGCTGGGGGTTATATTCACTGTGTCTTGGCACGAGCACAGGAGGCAGTACTAGGA-3'
Protein context (NP_001120689.1, residues 146-166): RHSEYNPQLS[Leu156Arg]LAKFRSASLH